The following is an entry in ClinVar:

NM_000133.4(F9):c.1303T>A (p.Cys435Ser)

Gene: F9 (coagulation factor IX; plus strand). Cytogenetic location: Xq27.1.
Variant type: single nucleotide variant.
Coding change: c.1303T>A on transcript NM_000133.4 (MANE Select); coding-DNA position 1303, T replaced by A.
Protein change: p.Cys435Ser; replaces cysteine 435 with serine.
Molecular consequence: missense variant.
Genome position (GRCh38, 1-based): chrX:139,561,988, T>A. VCF-style: chrX-139561988-T-A. GRCh37 (hg19) VCF-style: chrX-138644147-T-A.
Other names: NM_001313913.2:c.1189T>A; c.1189T>A, p.Cys397Ser (NM_001313913.2); short protein forms C397S, C435S.
Identifiers: ClinVar variation 3242388 (VCV003242388.1), dbSNP rs2520848336.

ClinVar aggregate classification (germline): Uncertain significance (3 of 4 stars; one submission).

Conditions:
Hereditary factor IX deficiency disease (HEMB). Also called: F9 DEFICIENCY; FACTOR IX DEFICIENCY; PLASMA THROMBOPLASTIN COMPONENT DEFICIENCY; Hemophilia B; Christmas Disease. Identifiers: Orphanet 98879, MedGen C0008533, MeSH D002836, MONDO:0010604, OMIM 306900.

Submission:

ClinGen Coagulation Factor Deficiency Variant Curation Expert Panel, Clingen
Classification: Uncertain significance for Hereditary factor IX deficiency disease. Last evaluated: 2024-05-09. Review status: reviewed by expert panel. Criteria: ClinGen CoagFactor ACMG Specifications F9 V1.0.0. Collection method: curation. Allele origin: germline. Inheritance: X-linked inheritance.
Comment: The NM_000133.4:c.1303T>A variant in F9 is a missense variant predicted to cause substitution of Cys by Ser at amino acid 435 (p.Cys435Ser). This variant has been reported in 1 proband meeting F9 phenotype criteria (PS4_Supporting; PMID: 21118338). This variant is absent from gnomAD v2, v3 and v4 (PM2_Supporting). Another missense variant c.1304G>A (p.Cys435Tyr) in the same codon has been classified as pathogenic for hemophilia B by the ClinGen Coagulation Factor Deficiency VCEP (PM5). The computational predictor REVEL gives a score of 0.962, which is above the threshold of 0.6, evidence that correlates with impact to F9 function (PP3). In summary, this variant meets the criteria to be classified as a variant of uncertain significance for hemophilia B based on the ACMG/AMP criteria applied, as specified by the ClinGen Coagulation Factor Deficiency VCEP: PS4_Supporting, PM2_Supporting, PP3, PM5. (Version 1.0.0, 10/05/2023)